The following is an entry in ClinVar:

NM_004356.4(CD81):c.648+5G>A

Gene: CD81 (CD81 molecule; plus strand). Cytogenetic location: 11p15.5.
Variant type: single nucleotide variant.
Coding change: c.648+5G>A on transcript NM_004356.4 (MANE Select); 5 bases into the intron after coding-DNA position 648, G replaced by A.
Molecular consequence: intron variant.
Genome position (GRCh38, 1-based): chr11:2,396,719, G>A. VCF-style: chr11-2396719-G-A. GRCh37 (hg19) VCF-style: chr11-2417949-G-A.
Other names: c.435+5G>A (NM_001425129.1, NM_001297649.2, NM_001425130.1 and 3 more transcripts); c.771+5G>A (NM_001425135.1); c.645+5G>A (NM_001425137.1); c.432+5G>A (NM_001425138.1).
Identifiers: ClinVar variation 3681907 (VCV003681907.2).

ClinVar aggregate classification (germline): Uncertain significance (1 of 4 stars; one submission).

Submission:

Labcorp Genetics (formerly Invitae), Labcorp
Classification: Uncertain significance. Last evaluated: 2024-03-31. Review status: criteria provided, single submitter. Criteria: Invitae Variant Classification Sherloc (09022015). Collection method: clinical testing. Allele origin: germline.
Comment: This sequence change falls in intron 7 of the CD81 gene. It does not directly change the encoded amino acid sequence of the CD81 protein. It affects a nucleotide within the consensus splice site. This variant is not present in population databases (gnomAD no frequency). This variant has not been reported in the literature in individuals affected with CD81-related conditions. Variants that disrupt the consensus splice site are a relatively common cause of aberrant splicing (PMID: 17576681, 9536098). Algorithms developed to predict the effect of sequence changes on RNA splicing suggest that this variant may disrupt the consensus splice site. In summary, the available evidence is currently insufficient to determine the role of this variant in disease. Therefore, it has been classified as a Variant of Uncertain Significance.

Literature cited by the submitters: PubMed 17576681; PubMed 9536098.